The following is an entry in ClinVar:

ClinVar aggregate classification (germline): Uncertain significance (1 of 4 stars; one submission).

Allele frequency attached by ClinVar (database versions not stated): ExAC 0.00002; gnomAD 0.00002; gnomAD exomes 0.00002; TOPMed 0.00002; ESP Exome Variant Server 0.00024.
gnomAD v4.1: 26 of 1,612,772 alleles (0.0016%); highest among the groups gnomAD compares: African/African-American, 0.004%; no homozygotes.

Submission:

Labcorp Genetics (formerly Invitae), Labcorp
Classification: Uncertain significance. Last evaluated: 2022-06-16. Review status: criteria provided, single submitter. Criteria: Invitae Variant Classification Sherloc (09022015). Collection method: clinical testing. Allele origin: germline.
Comment: This sequence change replaces methionine, which is neutral and non-polar, with threonine, which is neutral and polar, at codon 993 of the SKIV2L protein (p.Met993Thr). This variant is present in population databases (rs150302655, gnomAD 0.007%). This variant has not been reported in the literature in individuals affected with SKIV2L-related conditions. Algorithms developed to predict the effect of missense changes on protein structure and function (SIFT, PolyPhen-2, Align-GVGD) all suggest that this variant is likely to be tolerated. In summary, the available evidence is currently insufficient to determine the role of this variant in disease. Therefore, it has been classified as a Variant of Uncertain Significance.

NM_006929.5(SKIC2):c.2978T>C (p.Met993Thr)

Gene: SKIC2 (SKI2 subunit of superkiller complex; plus strand). Cytogenetic location: 6p21.33.
Variant type: single nucleotide variant.
Coding change: c.2978T>C on transcript NM_006929.5 (MANE Select); coding-DNA position 2978, T replaced by C.
Protein change: p.Met993Thr; replaces methionine 993 with threonine.
Molecular consequence: missense variant.
Genome position (GRCh38, 1-based): chr6:31,968,447, T>C. VCF-style: chr6-31968447-T-C. GRCh37 (hg19) VCF-style: chr6-31936224-T-C.
Other names: short protein forms M993T.
Identifiers: ClinVar variation 2181554 (VCV002181554.1), dbSNP rs150302655, ClinGen allele CA3729922.